The following is an entry in ClinVar:

ClinVar aggregate classification (germline): Uncertain significance (1 of 4 stars; one submission).

Conditions:
Marfan syndrome (MFS). Also called: MARFAN SYNDROME, TYPE I; Marfan syndrome type 1; Marfan's syndrome; Marfan syndrome, classic; FBN1-Related Marfan Syndrome. Identifiers: Orphanet 284963, Orphanet 558, MedGen C0024796, MONDO:0007947, OMIM 154700.
Familial thoracic aortic aneurysm and aortic dissection (TAAD). Also called: Thoracic aortic aneurysms and dissections. Identifiers: Orphanet 91387, MedGen C4707243, MONDO:0019625.

Allele frequency attached by ClinVar (database versions not stated): gnomAD exomes below 0.00001.
gnomAD v4.1: 1 of 1,614,102 alleles (0.000062%); highest among the groups gnomAD compares: Non-Finnish European, 0.000085%; no homozygotes.

Submission:

Labcorp Genetics (formerly Invitae), Labcorp
Classification: Uncertain significance for Marfan syndrome; Familial thoracic aortic aneurysm and aortic dissection. Last evaluated: 2022-11-01. Review status: criteria provided, single submitter. Criteria: Invitae Variant Classification Sherloc (09022015). Collection method: clinical testing. Allele origin: germline.
Comment: In summary, the available evidence is currently insufficient to determine the role of this variant in disease. Therefore, it has been classified as a Variant of Uncertain Significance. Advanced modeling of protein sequence and biophysical properties (such as structural, functional, and spatial information, amino acid conservation, physicochemical variation, residue mobility, and thermodynamic stability) performed at Invitae indicates that this missense variant is not expected to disrupt FBN1 protein function. ClinVar contains an entry for this variant (Variation ID: 1516007). This variant has not been reported in the literature in individuals affected with FBN1-related conditions. This variant is not present in population databases (gnomAD no frequency). This sequence change replaces asparagine, which is neutral and polar, with serine, which is neutral and polar, at codon 33 of the FBN1 protein (p.Asn33Ser).

NM_000138.5(FBN1):c.98A>G (p.Asn33Ser)

Gene: FBN1 (fibrillin 1; minus strand). Cytogenetic location: 15q21.1.
Variant type: single nucleotide variant.
Coding change: c.98A>G on transcript NM_000138.5 (MANE Select); coding-DNA position 98, A replaced by G.
Protein change: p.Asn33Ser; replaces asparagine 33 with serine.
Molecular consequence: missense variant.
Genome position (GRCh38, 1-based): chr15:48,644,672, T>C on the plus strand (A>G on the coding strand, the complement: FBN1 is on the minus strand). VCF-style: chr15-48644672-T-C. GRCh37 (hg19) VCF-style: chr15-48936869-T-C.
Other names: short protein forms N33S.
Identifiers: ClinVar variation 1516007 (VCV001516007.5), dbSNP rs2140787661, ClinGen allele CA392453654.